The following is an entry in ClinVar:

NM_001277115.2(DNAH11):c.3545G>A (p.Arg1182Gln)

Gene: DNAH11 (dynein axonemal heavy chain 11; plus strand). Cytogenetic location: 7p15.3.
Variant type: single nucleotide variant.
Coding change: c.3545G>A on transcript NM_001277115.2 (MANE Select); coding-DNA position 3545, G replaced by A.
Protein change: p.Arg1182Gln; replaces arginine 1182 with glutamine.
Molecular consequence: missense variant.
Genome position (GRCh38, 1-based): chr7:21,601,515, G>A. VCF-style: chr7-21601515-G-A. GRCh37 (hg19) VCF-style: chr7-21641133-G-A.
Other names: short protein forms R1182Q.
Identifiers: ClinVar variation 910144 (VCV000910144.10), dbSNP rs368316519, ClinGen allele CA4179668.

ClinVar aggregate classification (germline): Conflicting classifications of pathogenicity. Review status: criteria provided, conflicting classifications (1 of 4 stars). 4 submissions from 4 submitters: Uncertain significance (3); Benign (1). Last evaluated 2026-06-28.

Conditions:
Primary ciliary dyskinesia. Also called: Ciliary dyskinesia. Identifiers: Orphanet 244, MedGen C0008780, MONDO:0016575, HP:0012265.
DNAH11-related disorder. Also called: DNAH11-related condition.
Primary ciliary dyskinesia 7. Also called: CILIARY DYSKINESIA, PRIMARY, 7, WITH OR WITHOUT SITUS INVERSUS. Identifiers: Orphanet 244, MedGen C2678473, MONDO:0012748, OMIM 611884.

Allele frequency attached by ClinVar (database versions not stated): gnomAD exomes 0.00004; ExAC 0.00005; ESP Exome Variant Server 0.00008; TOPMed 0.00010; gnomAD 0.00011 and 0.00012.
gnomAD v4.1: 51 of 1,613,608 alleles (0.0032%); highest among the groups gnomAD compares: Admixed American, 0.02%; no homozygotes.

Submissions (4):

PreventionGenetics, part of Exact Sciences
Classification: Uncertain significance for DNAH11-related condition. Last evaluated: 2026-06-28. Review status: criteria provided, single submitter. Criteria: ACMG Guidelines, 2015. Collection method: clinical testing. Allele origin: germline.
Comment: The DNAH11 c.3545G>A variant is predicted to result in the amino acid substitution p.Arg1182Gln. To our knowledge, this variant has not been reported in the literature. This variant is reported in 0.025% of alleles in individuals of African descent in gnomAD. At this time, the clinical significance of this variant is uncertain due to the absence of conclusive functional and genetic evidence.

Labcorp Genetics (formerly Invitae), Labcorp
Classification: Benign for Primary ciliary dyskinesia. Last evaluated: 2025-07-31. Review status: criteria provided, single submitter. Criteria: Invitae Variant Classification Sherloc (09022015). Collection method: clinical testing. Allele origin: germline.

Ambry Genetics
Classification: Uncertain significance for Primary ciliary dyskinesia. Last evaluated: 2022-07-19. Review status: criteria provided, single submitter. Criteria: Ambry Variant Classification Scheme 2023. Collection method: clinical testing. Allele origin: germline.

Illumina Laboratory Services, Illumina
Classification: Uncertain significance for Primary ciliary dyskinesia 7. Last evaluated: 2018-01-13. Review status: criteria provided, single submitter. Criteria: ICSL Variant Classification Criteria 13 December 2019. Collection method: clinical testing. Allele origin: germline.